The following is an entry in ClinVar:

ClinVar aggregate classification (germline): Benign. Review status: criteria provided, multiple submitters, no conflicts (2 of 4 stars). 2 submissions from 2 submitters: Benign (2). Last evaluated 2025-12-14.

Conditions:
Bethlem myopathy 1A. Also called: MYOPATHY, BENIGN CONGENITAL, WITH CONTRACTURES; Bethlem myopathy 1; Bethlem Muscular Dystrophy. Identifiers: Orphanet 610, MedGen CN029274, MONDO:0024530, OMIM 158810.
Collagen 6-related myopathy. Identifiers: MedGen CN117976, MONDO:0100225.

Allele frequency attached by ClinVar (database versions not stated): 1000 Genomes Project 0.00100; TOPMed 0.00127; 1000 Genomes Project 30x 0.00141; ESP Exome Variant Server 0.00146.

Submissions (2):

Labcorp Genetics (formerly Invitae), Labcorp
Classification: Benign for Bethlem myopathy 1A. Last evaluated: 2025-12-14. Review status: criteria provided, single submitter. Criteria: Invitae Variant Classification Sherloc (09022015). Collection method: clinical testing. Allele origin: germline.

Illumina Laboratory Services, Illumina
Classification: Benign for Collagen VI-related myopathy. Last evaluated: 2018-01-12. Review status: criteria provided, single submitter. Criteria: ICSL Variant Classification Criteria 13 December 2019. Collection method: clinical testing. Allele origin: germline.
Comment: This variant was observed in the ICSL laboratory as part of a predisposition screen in an ostensibly healthy population. It had not been previously curated by ICSL or reported in the Human Gene Mutation Database (HGMD: prior to June 1st, 2018), and was therefore a candidate for classification through an automated scoring system. Utilizing variant allele frequency, disease prevalence and penetrance estimates, and inheritance mode, an automated score was calculated to assess if this variant is too frequent to cause the disease. Based on the score and internal cut-off values, a variant classified as benign is not then subjected to further curation. The score for this variant resulted in a classification of benign for this disease.

NM_001848.3(COL6A1):c.903+13C>A

Gene: COL6A1 (collagen type VI alpha 1 chain; plus strand). Cytogenetic location: 21q22.3.
Variant type: single nucleotide variant.
Coding change: c.903+13C>A on transcript NM_001848.3 (MANE Select); 13 bases into the intron after coding-DNA position 903, C replaced by A.
Molecular consequence: intron variant.
Genome position (GRCh38, 1-based): chr21:45,989,665, C>A. VCF-style: chr21-45989665-C-A. GRCh37 (hg19) VCF-style: chr21-47409579-C-A.
Identifiers: ClinVar variation 897031 (VCV000897031.15), dbSNP rs199632006, ClinGen allele CA10069839.